The following is an entry in ClinVar:

ClinVar aggregate classification (germline): Likely benign (0 of 4 stars; one submission).

Conditions:
ATG16L1-related disorder. Also called: ATG16L1-related condition.

Allele frequency attached by ClinVar (database versions not stated): gnomAD 0.00001; ExAC 0.00004; gnomAD exomes 0.00004; TOPMed 0.00004.
gnomAD v4.1: 66 of 1,613,368 alleles (0.0041%); highest among the groups gnomAD compares: Middle Eastern, 0.016%; 1 homozygote.

Submission:

PreventionGenetics, part of Exact Sciences
Classification: Likely benign for ATG16L1-related condition. Last evaluated: 2019-05-24. Review status: no assertion criteria provided. Collection method: clinical testing. Allele origin: germline.
Comment: This variant is classified as likely benign based on ACMG/AMP sequence variant interpretation guidelines (Richards et al. 2015 PMID: 25741868, with internal and published modifications).

NM_030803.7(ATG16L1):c.1779C>T (p.Val593=)

Gene: ATG16L1 (autophagy related 16 like 1; plus strand). Cytogenetic location: 2q37.1.
Variant type: single nucleotide variant.
Coding change: c.1779C>T on transcript NM_030803.7 (MANE Select); coding-DNA position 1779, C replaced by T.
Protein change: p.Val593=; no amino-acid change (valine 593 retained).
Molecular consequence: synonymous variant.
Genome position (GRCh38, 1-based): chr2:233,294,305, C>T. VCF-style: chr2-233294305-C-T. GRCh37 (hg19) VCF-style: chr2-234202951-C-T.
Other names: c.1527C>T, p.Val509= (NM_001190266.2); c.1431C>T, p.Val477= (NM_001190267.2); c.1830C>T, p.Val610= (NM_001363742.2); c.1722C>T, p.Val574= (NM_017974.4); c.1290C>T, p.Val430= (NM_198890.3).
Identifiers: ClinVar variation 3039220 (VCV003039220.2), dbSNP rs199749659, ClinGen allele CA2174130.